The following is an entry in ClinVar:

NM_001134407.3(GRIN2A):c.4282G>A (p.Val1428Ile)

Gene: GRIN2A (glutamate ionotropic receptor NMDA type subunit 2A; minus strand). Cytogenetic location: 16p13.2.
Variant type: single nucleotide variant.
Coding change: c.4282G>A on transcript NM_001134407.3 (MANE Select); coding-DNA position 4282, G replaced by A.
Protein change: p.Val1428Ile; replaces valine 1428 with isoleucine.
Molecular consequence: missense variant. On other transcripts: 3 prime UTR variant (1).
Genome position (GRCh38, 1-based): chr16:9,763,262, C>T on the plus strand (G>A on the coding strand, the complement: GRIN2A is on the minus strand). VCF-style: chr16-9763262-C-T. GRCh37 (hg19) VCF-style: chr16-9857119-C-T.
Other names: c.4282G>A, p.Val1428Ile (NM_000833.5); c.*93G>A (NM_001134408.2); short protein forms V1428I.
Identifiers: ClinVar variation 1304121 (VCV001304121.3), dbSNP rs2141124963, ClinGen allele CA394705402.
Genomic context (GRCh38, chr16:9,763,262, plus strand): 5'-AGGAATTTAAAACCCTGGGGGTAGAGTACATATTATTCTTATTTGCAGCATAAGGCATAA[C>T]ATGCTCCGAAATATACACATCATTGTGGCCCCGACTGTCCCTGGAACAGTACGATGCCGT-3'
Protein context (NP_001127879.1, residues 1418-1438): GHNDVYISEH[Val1428Ile]MPYAANKNNM

ClinVar aggregate classification (germline): Uncertain significance (1 of 4 stars; one submission).

Allele frequency attached by ClinVar (database versions not stated): gnomAD exomes below 0.00001.
gnomAD v4.1: 1 of 1,614,180 alleles (0.000062%); highest among the groups gnomAD compares: Non-Finnish European, 0.000085%; no homozygotes.

Submission:

GeneDx
Classification: Uncertain significance. Last evaluated: 2025-06-01. Review status: criteria provided, single submitter. Criteria: GeneDx Variant Classification Process June 2021. Collection method: clinical testing. Allele origin: germline. Affected: yes.
Comment: Not observed at significant frequency in large population cohorts (gnomAD); In silico analysis suggests that this missense variant does not alter protein structure/function; Has not been previously published as pathogenic or benign to our knowledge